The following is an entry in ClinVar:

ClinVar aggregate classification (germline): Conflicting classifications of pathogenicity. Review status: criteria provided, conflicting classifications (1 of 4 stars). 2 submissions from 2 submitters: Uncertain significance (1); Likely benign (1). Last evaluated 2025-09-18.

Conditions:
INPP5E-related disorder. Also called: INPP5E-related condition.
Joubert syndrome. Also called: Familial aplasia of the vermis; JOUBERT-BOLTSHAUSER SYNDROME. Identifiers: Orphanet 475, MedGen C5979921, MONDO:0018772.

Allele frequency attached by ClinVar (database versions not stated): TOPMed below 0.00001; gnomAD 0.00003; gnomAD exomes 0.00008 and 0.00015; 1000 Genomes Project 30x 0.00016; 1000 Genomes Project 0.00020; ExAC 0.00059.
gnomAD v4.1: 111 of 1,579,504 alleles (0.007%); highest among the groups gnomAD compares: South Asian, 0.12%; 1 homozygote.

Submissions (2):

PreventionGenetics, part of Exact Sciences
Classification: Uncertain significance for INPP5E-related condition. Last evaluated: 2025-09-18. Review status: criteria provided, single submitter. Criteria: ACMG Guidelines, 2015. Collection method: clinical testing. Allele origin: germline.
Comment: The INPP5E c.323G>A variant is predicted to result in the amino acid substitution p.Gly108Glu. To our knowledge, this variant has not been reported in the literature. This variant is reported in 0.11% of alleles in individuals of South Asian descent in gnomAD. Although we suspect that this variant may be benign, at this time, the clinical significance of this variant is uncertain due to the absence of conclusive functional and genetic evidence.

Labcorp Genetics (formerly Invitae), Labcorp
Classification: Likely benign for Joubert syndrome. Last evaluated: 2023-08-23. Review status: criteria provided, single submitter. Criteria: Invitae Variant Classification Sherloc (09022015). Collection method: clinical testing. Allele origin: germline.

NM_019892.6(INPP5E):c.323G>A (p.Gly108Glu)

Gene: INPP5E (inositol polyphosphate-5-phosphatase E; minus strand). Cytogenetic location: 9q34.3.
Variant type: single nucleotide variant.
Coding change: c.323G>A on transcript NM_019892.6 (MANE Select); coding-DNA position 323, G replaced by A.
Protein change: p.Gly108Glu; replaces glycine 108 with glutamic acid.
Molecular consequence: missense variant.
Genome position (GRCh38, 1-based): chr9:136,439,097, C>T on the plus strand (G>A on the coding strand, the complement: INPP5E is on the minus strand). VCF-style: chr9-136439097-C-T. GRCh37 (hg19) VCF-style: chr9-139333549-C-T.
Other names: c.323G>A (NM_019892.5); c.323G>A, p.Gly108Glu (NM_001318502.2); short protein forms G108E.
Identifiers: ClinVar variation 1124517 (VCV001124517.10), dbSNP rs562484803, ClinGen allele CA5337178.